The following is an entry in ClinVar:

NM_001352514.2(HLCS):c.2439C>G (p.Tyr813Ter)

Gene: HLCS (holocarboxylase synthetase; minus strand). Cytogenetic location: 21q22.13.
Variant type: single nucleotide variant.
Coding change: c.2439C>G on transcript NM_001352514.2 (MANE Select); coding-DNA position 2439, C replaced by G.
Protein change: p.Tyr813Ter; replaces tyrosine 813 with a stop codon.
Molecular consequence: nonsense. On other transcripts: non-coding transcript variant (2).
Genome position (GRCh38, 1-based): chr21:36,756,553, G>C on the plus strand (C>G on the coding strand, the complement: HLCS is on the minus strand). VCF-style: chr21-36756553-G-C. GRCh37 (hg19) VCF-style: chr21-38128854-G-C.
Other names: c.1998C>G, p.Tyr666Ter (NM_000411.8, NM_001242784.3, NM_001242785.2 and 4 more transcripts); short protein forms Y666*, Y813*.
Identifiers: ClinVar variation 2045052 (VCV002045052.5), dbSNP rs2516840344, ClinGen allele CA409918936.
Genomic context (GRCh38, chr21:36,756,553, plus strand): 5'-AAGATACTAATAAAGGAGTTGAAAAGAATGAAGATGAGCCAGCACTGACCTGTGGACCCA[G>C]TATCGGTAATAAAGGGGAAGGACGCTGTTGGGCCCTTTGTCCTGAAACTCTTTGATCAGT-3'

ClinVar aggregate classification (germline): Conflicting classifications of pathogenicity. Review status: criteria provided, conflicting classifications (1 of 4 stars). 2 submissions from 2 submitters: Pathogenic (1); Uncertain significance (1). Last evaluated 2026-05-26.

Conditions:
Holocarboxylase synthetase deficiency. Also called: MULTIPLE CARBOXYLASE DEFICIENCY, EARLY ONSET. Identifiers: Orphanet 79242, MedGen C0268581, MONDO:0009666, OMIM 253270.

Submissions (2):

Myriad Genetics, Inc.
Classification: Uncertain significance for Holocarboxylase synthetase deficiency. Last evaluated: 2026-05-26. Review status: criteria provided, single submitter. Criteria: Myriad Autosomal Dominant, Autosomal Recessive and X-Linked Classification Criteria (2023). Collection method: clinical testing. Allele origin: unknown.
Comment: NM_000411.6(HLCS):c.1998C>G(Y666*) is a nonsense variant classified as a variant of uncertain significance in the context of holocarboxylase synthetase deficiency. Y666* has not been observed in cases with relevant disease. Relevant functional assessments of this variant are not available in the literature. Y666* has not been observed in referenced population frequency databases. In summary, there is insufficient evidence to classify NM_000411.6(HLCS):c.1998C>G(Y666*) as pathogenic or benign. Please note: this variant was assessed in the context of healthy population screening.

Labcorp Genetics (formerly Invitae), Labcorp
Classification: Pathogenic for Holocarboxylase synthetase deficiency. Last evaluated: 2022-10-28. Review status: criteria provided, single submitter. Criteria: Invitae Variant Classification Sherloc (09022015). Collection method: clinical testing. Allele origin: germline.
Comment: For these reasons, this variant has been classified as Pathogenic. This variant disrupts a region of the HLCS protein in which other variant(s) (p.Gln696*) have been determined to be pathogenic (PMID: 11124959; Invitae). This suggests that this is a clinically significant region of the protein, and that variants that disrupt it are likely to be disease-causing. This variant has not been reported in the literature in individuals affected with HLCS-related conditions. This variant is not present in population databases (gnomAD no frequency). This sequence change creates a premature translational stop signal (p.Tyr666*) in the HLCS gene. While this is not anticipated to result in nonsense mediated decay, it is expected to disrupt the last 61 amino acid(s) of the HLCS protein.

Literature cited by the submitters: PubMed 11124959 (cited by Labcorp Genetics (formerly Invitae), Labcorp).